The following is an entry in ClinVar:

ClinVar aggregate classification (germline): Uncertain significance. Review status: criteria provided, multiple submitters, no conflicts (2 of 4 stars). 2 submissions from 2 submitters: Uncertain significance (2). Last evaluated 2026-08-05.

Conditions:
Autosomal recessive distal spinal muscular atrophy 1. Also called: NEUROPATHY, DISTAL HEREDITARY MOTOR, AUTOSOMAL RECESSIVE 1; NEURONOPATHY, DISTAL HEREDITARY MOTOR, HARDING TYPE VI; HMN VI; NEURONOPATHY, SEVERE INFANTILE AXONAL, WITH RESPIRATORY FAILURE; SEVERE INFANTILE AXONAL NEUROPATHY WITH RESPIRATORY FAILURE; SPINAL MUSCULAR ATROPHY, DIAPHRAGMATIC. Identifiers: Orphanet 98920, MedGen C1858517, MONDO:0011436, OMIM 604320.
Charcot-Marie-Tooth disease axonal type 2S. Also called: CHARCOT-MARIE-TOOTH NEUROPATHY, TYPE 2S; CHARCOT-MARIE-TOOTH DISEASE, AXONAL, AUTOSOMAL RECESSIVE, TYPE 2S. Identifiers: Orphanet 443073, MedGen C4015349, MONDO:0014511, OMIM 616155.
Inborn genetic diseases. Identifiers: MedGen C0950123, MeSH D030342.

Allele frequency attached by ClinVar (database versions not stated): gnomAD exomes below 0.00001.
gnomAD v4.1: 2 of 1,608,418 alleles (0.00012%); highest among the groups gnomAD compares: Non-Finnish European, 0.000085%; no homozygotes.

Submissions (2):

Ambry Genetics
Classification: Uncertain significance for Inborn genetic diseases. Last evaluated: 2026-08-05. Review status: criteria provided, single submitter. Criteria: Ambry Variant Classification Scheme 2023. Collection method: clinical testing. Allele origin: germline.

Labcorp Genetics (formerly Invitae), Labcorp
Classification: Uncertain significance for Autosomal recessive distal spinal muscular atrophy 1; Charcot-Marie-Tooth disease axonal type 2S. Last evaluated: 2021-03-06. Review status: criteria provided, single submitter. Criteria: Invitae Variant Classification Sherloc (09022015). Collection method: clinical testing. Allele origin: germline.
Comment: In summary, the available evidence is currently insufficient to determine the role of this variant in disease. Therefore, it has been classified as a Variant of Uncertain Significance. Advanced modeling of protein sequence and biophysical properties (such as structural, functional, and spatial information, amino acid conservation, physicochemical variation, residue mobility, and thermodynamic stability) performed at Invitae indicates that this missense variant is not expected to disrupt IGHMBP2 protein function. This variant has been observed in individual(s) with Charcot-Marie-Tooth disease (Invitae). This variant is not present in population databases (ExAC no frequency). This sequence change replaces threonine with proline at codon 993 of the IGHMBP2 protein (p.Thr993Pro). The threonine residue is weakly conserved and there is a small physicochemical difference between threonine and proline.

NM_002180.3(IGHMBP2):c.2977A>C (p.Thr993Pro)

Gene: IGHMBP2 (immunoglobulin mu DNA binding protein 2; plus strand). Cytogenetic location: 11q13.3.
Variant type: single nucleotide variant.
Coding change: c.2977A>C on transcript NM_002180.3 (MANE Select); coding-DNA position 2977, A replaced by C.
Protein change: p.Thr993Pro; replaces threonine 993 with proline.
Molecular consequence: missense variant.
Genome position (GRCh38, 1-based): chr11:68,939,726, A>C. VCF-style: chr11-68939726-A-C. GRCh37 (hg19) VCF-style: chr11-68707194-A-C.
Other names: c.2977A>C (NM_002180.2); short protein forms T993P.
Identifiers: ClinVar variation 1497011 (VCV001497011.9), dbSNP rs1271968797, ClinGen allele CA381655303.